The following is an entry in ClinVar:

NM_177438.3(DICER1):c.1742C>G (p.Ala581Gly)

Gene: DICER1 (dicer 1, ribonuclease III; minus strand). Cytogenetic location: 14q32.13.
Variant type: single nucleotide variant.
Coding change: c.1742C>G on transcript NM_177438.3 (MANE Select); coding-DNA position 1742, C replaced by G.
Protein change: p.Ala581Gly; replaces alanine 581 with glycine.
Molecular consequence: missense variant.
Genome position (GRCh38, 1-based): chr14:95,116,463, G>C on the plus strand (C>G on the coding strand, the complement: DICER1 is on the minus strand). VCF-style: chr14-95116463-G-C. GRCh37 (hg19) VCF-style: chr14-95582800-G-C.
Other names: c.1742C>G, p.Ala581Gly (NM_001195573.1, NM_001271282.3, NM_001291628.2 and 1 more transcripts); short protein forms A581G.
Identifiers: ClinVar variation 477056 (VCV000477056.10), dbSNP rs1555372822, ClinGen allele CA390884664.

ClinVar aggregate classification (germline): Uncertain significance (1 of 4 stars; one submission).

Conditions:
DICER1-related tumor predisposition. Also called: DICER1-related pleuropulmonary blastoma cancer predisposition syndrome; DICER1 syndrome. Identifiers: Orphanet 284343, MedGen C3839822, MONDO:0100216.

Submission:

Labcorp Genetics (formerly Invitae), Labcorp
Classification: Uncertain significance for DICER1-related tumor predisposition. Last evaluated: 2017-07-20. Review status: criteria provided, single submitter. Criteria: Invitae Variant Classification Sherloc (09022015). Collection method: clinical testing. Allele origin: germline.
Comment: This sequence change replaces alanine with glycine at codon 581 of the DICER1 protein (p.Ala581Gly). The alanine residue is highly conserved and there is a small physicochemical difference between alanine and glycine. This variant has not been reported in the literature in individuals with DICER1-related disease. This variant is not present in population databases (ExAC no frequency). In summary, the available evidence is currently insufficient to determine the role of this variant in disease. Therefore, it has been classified as a Variant of Uncertain Significance. Algorithms developed to predict the effect of sequence changes on RNA splicing suggest that this variant may create or strengthen a splice site, but this prediction has not been confirmed by published transcriptional studies. Algorithms developed to predict the effect of missense changes on protein structure and function (SIFT, PolyPhen-2, Align-GVGD) all suggest that this variant is likely to be tolerated, but these predictions have not been confirmed by published functional studies and their clinical significance is uncertain.